The following is an entry in ClinVar:

ClinVar aggregate classification (germline): Pathogenic. Review status: criteria provided, multiple submitters, no conflicts (2 of 4 stars). 2 submissions from 2 submitters: Pathogenic (2). Last evaluated 2022-09-30.

Allele frequency attached by ClinVar (database versions not stated): TOPMed below 0.00001.

Submissions (2):

Labcorp Genetics (formerly Invitae), Labcorp
Classification: Pathogenic. Last evaluated: 2022-09-30. Review status: criteria provided, single submitter. Criteria: Invitae Variant Classification Sherloc (09022015). Collection method: clinical testing. Allele origin: germline.
Comment: This sequence change creates a premature translational stop signal (p.Tyr938*) in the ABCC6 gene. It is expected to result in an absent or disrupted protein product. Loss-of-function variants in ABCC6 are known to be pathogenic (PMID: 11536079, 17617515). This variant is not present in population databases (gnomAD no frequency). For these reasons, this variant has been classified as Pathogenic. ClinVar contains an entry for this variant (Variation ID: 286408). This premature translational stop signal has been observed in individual(s) with pseudoxanthoma elasticum (PMID: 17617515).

Eurofins Ntd Llc (ga)
Classification: Pathogenic. Last evaluated: 2016-03-14. Review status: criteria provided, single submitter. Criteria: EGL Classification Definitions 2015. Collection method: clinical testing. Allele origin: germline. Observed: 1 variant allele, 1 heterozygote.

Literature cited by the submitters: PubMed 11536079 (cited by Labcorp Genetics (formerly Invitae), Labcorp); PubMed 17617515 (cited by Labcorp Genetics (formerly Invitae), Labcorp).

NM_001171.6(ABCC6):c.2814C>A (p.Tyr938Ter)

Gene: ABCC6 (ATP binding cassette subfamily C member 6; minus strand). Cytogenetic location: 16p13.11.
Variant type: single nucleotide variant.
Coding change: c.2814C>A on transcript NM_001171.6 (MANE Select); coding-DNA position 2814, C replaced by A.
Protein change: p.Tyr938Ter; replaces tyrosine 938 with a stop codon.
Molecular consequence: nonsense. On other transcripts: non-coding transcript variant (1).
Genome position (GRCh38, 1-based): chr16:16,169,827, G>T on the plus strand (C>A on the coding strand, the complement: ABCC6 is on the minus strand). VCF-style: chr16-16169827-G-T. GRCh37 (hg19) VCF-style: chr16-16263684-G-T.
Other names: c.2472C>A, p.Tyr824Ter (NM_001351800.1); short protein forms Y938*, Y824*.
Identifiers: ClinVar variation 286408 (VCV000286408.9), dbSNP rs72653704, ClinGen allele CA10605453.